The following is an entry in ClinVar:

NM_058163.3(TSR2):c.442-4C>T

Gene: TSR2 (TSR2 ribosome maturation factor; plus strand). Cytogenetic location: Xp11.22.
Variant type: single nucleotide variant.
Coding change: c.442-4C>T on transcript NM_058163.3 (MANE Select); 4 bases into the intron before coding-DNA position 442, C replaced by T.
Molecular consequence: intron variant.
Genome position (GRCh38, 1-based): chrX:54,444,412, C>T. VCF-style: chrX-54444412-C-T. GRCh37 (hg19) VCF-style: chrX-54470845-C-T.
Other names: c.157-4C>T (NM_001346791.2, NM_001346790.2, NM_001346792.2); c.433-4C>T (NM_001346789.2).
Identifiers: ClinVar variation 3067591 (VCV003067591.21), dbSNP rs2522677706, ClinGen allele CA2825002950.

ClinVar aggregate classification (germline): Uncertain significance (1 of 4 stars; one submission).

Submission:

CeGaT Center for Human Genetics Tuebingen
Classification: Uncertain significance. Last evaluated: 2024-03-01. Review status: criteria provided, single submitter. Criteria: CeGaT Center For Human Genetics Tuebingen Variant Classification Criteria Version 2. Collection method: clinical testing. Allele origin: germline. Affected: yes. Observed: 1 variant allele.
Comment: TSR2: PM2, BP4